The following is an entry in ClinVar:

NM_000136.3(FANCC):c.798A>C (p.Arg266Ser)

Genes: AOPEP (aminopeptidase O (putative); plus strand), FANCC (FA complementation group C; minus strand). Cytogenetic location: 9q22.32.
Variant type: single nucleotide variant.
Coding change: c.798A>C on transcript NM_000136.3 (MANE Select); coding-DNA position 798, A replaced by C.
Protein change: p.Arg266Ser; replaces arginine 266 with serine.
Molecular consequence: missense variant.
Genome position (GRCh38, 1-based): chr9:95,135,391, T>G on the plus strand (A>C on the coding strand, the complement: FANCC is on the minus strand). VCF-style: chr9-95135391-T-G. GRCh37 (hg19) VCF-style: chr9-97897673-T-G.
Other names: c.798A>C, p.Arg266Ser (NM_001243743.2, NM_001243744.2); short protein forms R266S.
Identifiers: ClinVar variation 2565551 (VCV002565551.2), dbSNP rs2541400250, ClinGen allele CA374109263.

ClinVar aggregate classification (germline): Uncertain significance (1 of 4 stars; one submission).

Conditions:
Hereditary cancer-predisposing syndrome. Also called: Neoplastic Syndromes, Hereditary; Hereditary Cancer Syndrome; Hereditary neoplastic syndrome; Tumor predisposition. Identifiers: Orphanet 140162, MedGen C0027672, MeSH D009386, MONDO:0015356.

Submission:

Ambry Genetics
Classification: Uncertain significance for Hereditary cancer-predisposing syndrome. Last evaluated: 2023-05-21. Review status: criteria provided, single submitter. Criteria: Ambry Variant Classification Scheme 2023. Collection method: clinical testing. Allele origin: germline.
Comment: The p.R266S variant (also known as c.798A>C), located in coding exon 7 of the FANCC gene, results from an A to C substitution at nucleotide position 798. The arginine at codon 266 is replaced by serine, an amino acid with dissimilar properties. This amino acid position is conserved. In addition, this alteration is predicted to be tolerated by in silico analysis. Since supporting evidence is limited at this time, the clinical significance of this alteration remains unclear.